The following is an entry in ClinVar:

ClinVar aggregate classification (germline): Conflicting classifications of pathogenicity. Review status: criteria provided, conflicting classifications (1 of 4 stars). 8 submissions from 8 submitters: Uncertain significance (3); Benign (1); Likely benign (4). Last evaluated 2025-11-11.

Conditions:
SBF2-related disorder. Also called: SBF2-related condition.
Charcot-Marie-Tooth disease. Also called: Charcot-Marie-Tooth Hereditary Neuropathy; Charcot-Marie-Tooth Neuropathy. Identifiers: Orphanet 166, MedGen C0007959, MONDO:0015626.
Inborn genetic diseases. Identifiers: MedGen C0950123, MeSH D030342.
Charcot-Marie-Tooth disease type 4B2. Also called: CHARCOT-MARIE-TOOTH DISEASE, DEMYELINATING, TYPE 4B2; Charcot-Marie-Tooth Neuropathy Type 4B2; CHARCOT-MARIE-TOOTH DISEASE, WITH FOCALLY FOLDED MYELIN SHEATHS, AUTOSOMAL RECESSIVE, TYPE 4B2; CMT 4B2. Identifiers: Orphanet 99956, MedGen C1858278, MONDO:0011475, OMIM 604563.
Charcot-Marie-Tooth disease type 4. Also called: Charcot-Marie-Tooth disease, type IV; Charcot-Marie-Tooth, Type 4. Identifiers: Orphanet 64749, MedGen C4082197, MONDO:0018995.

Allele frequency attached by ClinVar (database versions not stated): gnomAD exomes 0.00026; ExAC 0.00028; 1000 Genomes Project 30x 0.00047; 1000 Genomes Project 0.00060; gnomAD 0.00093 and 0.00102; ESP Exome Variant Server 0.00100; TOPMed 0.00100.
gnomAD v4.1: 347 of 1,594,900 alleles (0.022%); highest among the groups gnomAD compares: African/African-American, 0.32%; 1 homozygote.

Submissions (9):

Labcorp Genetics (formerly Invitae), Labcorp
Classification: Benign for Charcot-Marie-Tooth disease type 4. Last evaluated: 2025-11-11. Review status: criteria provided, single submitter. Criteria: Invitae Variant Classification Sherloc (09022015). Collection method: clinical testing. Allele origin: germline.

GeneDx
Classification: Uncertain significance. Last evaluated: 2025-07-03. Review status: criteria provided, single submitter. Criteria: GeneDx Variant Classification Process June 2021. Collection method: clinical testing. Allele origin: germline. Affected: yes.
Comment: In silico analysis supports a deleterious effect on splicing; Has not been previously published as pathogenic or benign to our knowledge

PreventionGenetics, part of Exact Sciences
Classification: Likely benign for SBF2-related condition. Last evaluated: 2025-05-22. Review status: criteria provided, single submitter. Criteria: ACMG Guidelines, 2015. Collection method: clinical testing. Allele origin: germline.
Comment: This variant is classified as likely benign based on ACMG/AMP sequence variant interpretation guidelines (Richards et al. 2015 PMID: 25741868, with internal and published modifications).

ARUP Laboratories, Molecular Genetics and Genomics, ARUP Laboratories
Classification: Uncertain significance for Charcot-Marie-Tooth disease type 4B2. Last evaluated: 2025-05-05. Review status: criteria provided, single submitter. Criteria: ARUP Molecular Germline Variant Investigation Process 2024. Collection method: clinical testing. Allele origin: germline.
Comment: The SBF2 c.777G>A; p.Pro259= variant (rs142261202), to our knowledge, is not reported in the medical literature but is reported in ClinVar (Variation ID: 301870). This variant is found in the general population with an overall allele frequency of 0.035% (100/282,692 alleles) in the Genome Aggregation Database (v2.1.1). This is a synonymous variant and computational analyses (Alamut Visual Plus v.1.12) predict that this variant may impact splicing by creating a novel cryptic acceptor splice site. Due to limited information, the clinical significance of this variant is uncertain at this time.

Mayo Clinic Laboratories, Mayo Clinic
Classification: Uncertain significance. Last evaluated: 2023-11-01. Review status: criteria provided, single submitter. Criteria: ACMG Guidelines, 2015. Collection method: clinical testing. Allele origin: germline. Observed: 1 variant allele.
Comment: BS1, PP3

Ambry Genetics
Classification: Likely benign for Inborn genetic diseases. Last evaluated: 2019-07-11. Review status: criteria provided, single submitter. Criteria: Ambry Variant Classification Scheme 2023. Collection method: clinical testing. Allele origin: germline.

Genetic Services Laboratory, University of Chicago
Classification: Likely benign. Last evaluated: 2018-03-06. Review status: criteria provided, single submitter. Criteria: ACMG Guidelines, 2015. Collection method: clinical testing. Allele origin: germline. Affected: no.

Molecular Genetics Laboratory, London Health Sciences Centre
Classification: Likely benign for Charcot-Marie-Tooth disease. Review status: criteria provided, single submitter. Criteria: ACMG Guidelines, 2015. Collection method: clinical testing. Allele origin: germline. Affected: yes.

Dr. Peter K. Rogan Lab, Western University
No classification provided (evidence only). Condition: Familial cancer of breast. Review status: no classification provided. Collection method: in vitro. Allele origin: not applicable. Functional consequence: retained intron. Not counted in ClinVar's aggregate classification.

NM_030962.4(SBF2):c.777G>A (p.Pro259=)

Gene: SBF2 (SET binding factor 2; minus strand). Cytogenetic location: 11p15.4.
Variant type: single nucleotide variant.
Coding change: c.777G>A on transcript NM_030962.4 (MANE Select); coding-DNA position 777, G replaced by A.
Protein change: p.Pro259=; no amino-acid change (proline 259 retained).
Molecular consequence: synonymous variant.
Genome position (GRCh38, 1-based): chr11:10,000,998, C>T on the plus strand (G>A on the coding strand, the complement: SBF2 is on the minus strand). VCF-style: chr11-10000998-C-T. GRCh37 (hg19) VCF-style: chr11-10022545-C-T.
Other names: p.Pro259=; c.777G>A, p.Pro259= (NM_001386339.1, NM_001386342.1).
Identifiers: ClinVar variation 301870 (VCV000301870.29), dbSNP rs142261202, ClinGen allele CA5882009.
Genomic context (GRCh38, chr11:10,000,998, plus strand): 5'-GACAGAATGTACTCCAATAATGAAAGGCGTTGGGGAACTTAGAACTTCCAGTAGCTGAGC[C>T]GGGAGAATAGGGATATAAGGATAACTGGAAATAATAAAAATATGCGTCAAATATATTTTT-3'
Protein context (NP_112224.1, residues 249-269): KYSYPYIPIL[Pro259=]AQLLEVLSSP